The following is an entry in ClinVar:

ClinVar aggregate classification (germline): Uncertain significance (1 of 4 stars; one submission).

Conditions:
Hyperkalemic periodic paralysis. Also called: Familial hyperkalemic periodic paralysis; Gamstorp disease. Identifiers: Orphanet 682, MedGen C0238357, MONDO:0008224, OMIM 170500, HP:0007215.

Submission:

Labcorp Genetics (formerly Invitae), Labcorp
Classification: Uncertain significance for Hyperkalemic periodic paralysis. Last evaluated: 2025-12-13. Review status: criteria provided, single submitter. Criteria: Invitae Variant Classification Sherloc (09022015). Collection method: clinical testing. Allele origin: germline.
Comment: This sequence change replaces asparagine, which is neutral and polar, with lysine, which is basic and polar, at codon 1543 of the SCN4A protein (p.Asn1543Lys). This variant is present in population databases (no rsID available, gnomAD 0.009%). This variant has not been reported in the literature in individuals affected with SCN4A-related conditions. Invitae Evidence Modeling of protein sequence and biophysical properties (such as structural, functional, and spatial information, amino acid conservation, physicochemical variation, residue mobility, and thermodynamic stability) indicates that this missense variant is not expected to disrupt SCN4A protein function with a negative predictive value of 95%. In summary, the available evidence is currently insufficient to determine the role of this variant in disease. Therefore, it has been classified as a Variant of Uncertain Significance.

NM_000334.4(SCN4A):c.4629C>A (p.Asn1543Lys)

Genes: GH-LCR (growth hormone locus control region; plus strand), SCN4A (sodium voltage-gated channel alpha subunit 4; minus strand). Cytogenetic location: 17q23.3.
Variant type: single nucleotide variant.
Coding change: c.4629C>A on transcript NM_000334.4 (MANE Select); coding-DNA position 4629, C replaced by A.
Protein change: p.Asn1543Lys; replaces asparagine 1543 with lysine.
Molecular consequence: missense variant.
Genome position (GRCh38, 1-based): chr17:63,941,653, G>T on the plus strand (C>A on the coding strand, the complement: SCN4A is on the minus strand). VCF-style: chr17-63941653-G-T. GRCh37 (hg19) VCF-style: chr17-62019013-G-T.
Other names: short protein forms N1543K.
Identifiers: ClinVar variation 4710924 (VCV004710924.1).